The following is an entry in ClinVar:

ClinVar aggregate classification (germline): Uncertain significance (1 of 4 stars; one submission).

Submission:

Labcorp Genetics (formerly Invitae), Labcorp
Classification: Uncertain significance. Last evaluated: 2025-11-23. Review status: criteria provided, single submitter. Criteria: Invitae Variant Classification Sherloc (09022015). Collection method: clinical testing. Allele origin: germline.
Comment: This sequence change replaces alanine, which is neutral and non-polar, with threonine, which is neutral and polar, at codon 1124 of the DNAH9 protein (p.Ala1124Thr). Information on the frequency of this variant in the gnomAD database is not available, as this variant may be reported differently in the database. This variant has not been reported in the literature in individuals affected with DNAH9-related conditions. ClinVar contains an entry for this variant (Variation ID: 2899702). Experimental studies and prediction algorithms are not available or were not evaluated, and the functional significance of this variant is currently unknown. In summary, the available evidence is currently insufficient to determine the role of this variant in disease. Therefore, it has been classified as a Variant of Uncertain Significance.

NM_001372.4(DNAH9):c.3369_3370inv (p.Ala1124Thr)

Gene: DNAH9 (dynein axonemal heavy chain 9; plus strand). Cytogenetic location: 17p12.
Variant type: Inversion.
Coding change: c.3369_3370inv on transcript NM_001372.4 (MANE Select).
Protein change: p.Ala1124Thr; replaces alanine 1124 with threonine.
Molecular consequence: missense variant.
Genome position: GRCh38 VCF-style: chr17-11679772-TG-CA. GRCh37 (hg19) VCF-style: chr17-11583089-TG-CA.
Other names: short protein forms A1124T.
Identifiers: ClinVar variation 2899702 (VCV002899702.3), ClinGen allele CA2739267149.